The following is an entry in ClinVar:

NM_001481.3(GAS8):c.607C>T (p.Arg203Trp)

Gene: GAS8 (growth arrest specific 8; plus strand). Cytogenetic location: 16q24.3.
Variant type: single nucleotide variant.
Coding change: c.607C>T on transcript NM_001481.3 (MANE Select); coding-DNA position 607, C replaced by T.
Protein change: p.Arg203Trp; replaces arginine 203 with tryptophan.
Molecular consequence: missense variant.
Genome position (GRCh38, 1-based): chr16:90,036,437, C>T. VCF-style: chr16-90036437-C-T. GRCh37 (hg19) VCF-style: chr16-90102845-C-T.
Other names: c.358C>T, p.Arg120Trp (NM_001286205.2); c.31C>T, p.Arg11Trp (NM_001286208.2); c.532C>T, p.Arg178Trp (NM_001286209.2); short protein forms R11W, R178W, R203W, R120W.
Identifiers: ClinVar variation 952372 (VCV000952372.10), dbSNP rs776412055, ClinGen allele CA8257892.

ClinVar aggregate classification (germline): Uncertain significance. Review status: criteria provided, multiple submitters, no conflicts (2 of 4 stars). 2 submissions from 2 submitters: Uncertain significance (2). Last evaluated 2024-07-02.

Conditions:
Primary ciliary dyskinesia 33. Also called: CILIARY DYSKINESIA, PRIMARY, 33, WITHOUT SITUS INVERSUS. Identifiers: Orphanet 244, MedGen C4225230, MONDO:0014750, OMIM 616726.
Inborn genetic diseases. Identifiers: MedGen C0950123, MeSH D030342.

Allele frequency attached by ClinVar (database versions not stated): gnomAD exomes 0.00004; ExAC 0.00005; TOPMed 0.00005.
gnomAD v4.1: 187 of 1,612,894 alleles (0.012%); highest among the groups gnomAD compares: South Asian, 0.042%; no homozygotes.

Submissions (2):

Ambry Genetics
Classification: Uncertain significance for Inborn genetic diseases. Last evaluated: 2024-07-02. Review status: criteria provided, single submitter. Criteria: Ambry Variant Classification Scheme 2023. Collection method: clinical testing. Allele origin: germline.

Labcorp Genetics (formerly Invitae), Labcorp
Classification: Uncertain significance for Primary ciliary dyskinesia 33. Last evaluated: 2020-09-21. Review status: criteria provided, single submitter. Criteria: Invitae Variant Classification Sherloc (09022015). Collection method: clinical testing. Allele origin: germline.
Comment: This variant is present in population databases (rs776412055, ExAC 0.03%). This variant has not been reported in the literature in individuals with GAS8-related conditions. Algorithms developed to predict the effect of missense changes on protein structure and function are either unavailable or do not agree on the potential impact of this missense change (SIFT: "Tolerated"; PolyPhen-2: "Probably Damaging"; Align-GVGD: "Class C0"). In summary, the available evidence is currently insufficient to determine the role of this variant in disease. Therefore, it has been classified as a Variant of Uncertain Significance. This sequence change replaces arginine with tryptophan at codon 203 of the GAS8 protein (p.Arg203Trp). The arginine residue is moderately conserved and there is a moderate physicochemical difference between arginine and tryptophan.